The following is an entry in ClinVar:

ClinVar aggregate classification (germline): Pathogenic/Likely pathogenic. Review status: criteria provided, multiple submitters, no conflicts (2 of 4 stars). 2 submissions from 2 submitters: Pathogenic (1); Likely pathogenic (1). Last evaluated 2025-11-08.

Conditions:
Noonan syndrome 2 (NS2). Identifiers: Orphanet 648, MedGen C1854469, MONDO:0011531, OMIM 605275.
Noonan syndrome 10 (NS10). Identifiers: Orphanet 648, MedGen C4225280, MONDO:0014693, OMIM 616564.
LZTR1-related schwannomatosis. Also called: Schwannomatosis 2; Schwannomatosis-2, susceptibility to. Identifiers: Orphanet 93921, MedGen C3810283, MONDO:0014299, OMIM 615670.

Submissions (2):

Labcorp Genetics (formerly Invitae), Labcorp
Classification: Pathogenic. Last evaluated: 2025-11-08. Review status: criteria provided, single submitter. Criteria: Invitae Variant Classification Sherloc (09022015). Collection method: clinical testing. Allele origin: germline.
Comment: This sequence change creates a premature translational stop signal (p.Val132Cysfs*14) in the LZTR1 gene. It is expected to result in an absent or disrupted protein product. Loss-of-function variants in LZTR1 are known to be pathogenic (PMID: 24362817, 25335493, 25480913, 25795793, 29469822, 30368668, 30442762, 30442766, 30481304, 30859559). This variant is not present in population databases (gnomAD no frequency). This variant has not been reported in the literature in individuals affected with LZTR1-related conditions. For these reasons, this variant has been classified as Pathogenic.

Juno Genomics, Hangzhou Juno Genomics, Inc
Classification: Likely pathogenic for LZTR1-related schwannomatosis; Noonan syndrome 10; Noonan syndrome 2. Review status: criteria provided, single submitter. Criteria: ACMG Guidelines, 2015. Collection method: clinical testing. Allele origin: germline.
Comment: Null variant in a gene where loss of function (LOF) is a known mechanism of disease.;Absent from controls (or at extremely low frequency if recessive) in Genome Aggregation Database.

Literature cited by the submitters: PubMed 24362817 (cited by Labcorp Genetics (formerly Invitae), Labcorp); PubMed 25335493 (cited by Labcorp Genetics (formerly Invitae), Labcorp); PubMed 25480913 (cited by Labcorp Genetics (formerly Invitae), Labcorp); PubMed 25795793 (cited by Labcorp Genetics (formerly Invitae), Labcorp); PubMed 29469822 (cited by Labcorp Genetics (formerly Invitae), Labcorp); PubMed 30368668 (cited by Labcorp Genetics (formerly Invitae), Labcorp); PubMed 30442762 (cited by Labcorp Genetics (formerly Invitae), Labcorp); PubMed 30442766 (cited by Labcorp Genetics (formerly Invitae), Labcorp); PubMed 30481304 (cited by Labcorp Genetics (formerly Invitae), Labcorp); PubMed 30859559 (cited by Labcorp Genetics (formerly Invitae), Labcorp).

NM_006767.4(LZTR1):c.393dup (p.Val132fs)

Gene: LZTR1 (leucine zipper like post translational regulator 1; plus strand). Cytogenetic location: 22q11.21.
Variant type: Duplication.
Coding change: c.393dup on transcript NM_006767.4 (MANE Select); coding-DNA position 393, one base duplicated (T; older notation c.393dupT).
Protein change: p.Val132fs; shifts the reading frame from valine 132.
Molecular consequence: frameshift variant.
Genome position (GRCh38, 1-based): chr22:20,987,576, T duplicated; the last of 3 consecutive T bases (chr22:20,987,574-20,987,576); duplicating any one gives the same sequence. VCF-style (leftmost placement, unchanged base first): chr22-20987573-G-GT. GRCh37 (hg19) VCF-style: chr22-21341862-G-GT.
Other names: short protein forms V132fs.
Identifiers: ClinVar variation 4739115 (VCV004739115.3).